The following is an entry in ClinVar:

ClinVar aggregate classification (germline): Uncertain significance. Review status: criteria provided, multiple submitters, no conflicts (2 of 4 stars). 2 submissions from 2 submitters: Uncertain significance (2). Last evaluated 2025-05-07.

Allele frequency attached by ClinVar (database versions not stated): ExAC 0.00002; gnomAD 0.00003; TOPMed 0.00004.
gnomAD v4.1: 94 of 1,613,804 alleles (0.0058%); highest among the groups gnomAD compares: Middle Eastern, 0.016%; no homozygotes.

Submissions (2):

Mayo Clinic Laboratories, Mayo Clinic
Classification: Uncertain significance. Last evaluated: 2025-05-07. Review status: criteria provided, single submitter. Criteria: ACMG Guidelines, 2015. Collection method: clinical testing. Allele origin: germline. Observed: 1 variant allele.
Comment: PP3, PM2_supporting

Ambry Genetics
Classification: Uncertain significance. Last evaluated: 2024-03-15. Review status: criteria provided, single submitter. Criteria: Ambry Variant Classification Scheme 2023. Collection method: clinical testing. Allele origin: germline.

NM_002160.4(TNC):c.2870C>T (p.Pro957Leu)

Gene: TNC (tenascin C; minus strand). Cytogenetic location: 9q33.1.
Variant type: single nucleotide variant.
Coding change: c.2870C>T on transcript NM_002160.4 (MANE Select); coding-DNA position 2870, C replaced by T.
Protein change: p.Pro957Leu; replaces proline 957 with leucine.
Molecular consequence: missense variant.
Genome position (GRCh38, 1-based): chr9:115,076,112, G>A on the plus strand (C>T on the coding strand, the complement: TNC is on the minus strand). VCF-style: chr9-115076112-G-A. GRCh37 (hg19) VCF-style: chr9-117838391-G-A.
Other names: p.Pro957Leu; c.2870C>T, p.Pro957Leu (NM_001410991.1); short protein forms P957L.
Identifiers: ClinVar variation 2225877 (VCV002225877.3), dbSNP rs761624391, ClinGen allele CA5208382.